The following is an entry in ClinVar:

NM_144997.7(FLCN):c.1283C>G (p.Pro428Arg)

Gene: FLCN (folliculin; minus strand). Cytogenetic location: 17p11.2.
Variant type: single nucleotide variant.
Coding change: c.1283C>G on transcript NM_144997.7 (MANE Select); coding-DNA position 1283, C replaced by G.
Protein change: p.Pro428Arg; replaces proline 428 with arginine.
Molecular consequence: missense variant.
Genome position (GRCh38, 1-based): chr17:17,216,397, G>C on the plus strand (C>G on the coding strand, the complement: FLCN is on the minus strand). VCF-style: chr17-17216397-G-C. GRCh37 (hg19) VCF-style: chr17-17119711-G-C.
Other names: c.1283C>G (LRG_325t1); c.1337C>G, p.Pro446Arg (NM_001353229.2); c.1283C>G, p.Pro428Arg (NM_001353230.2, NM_001353231.2); short protein forms P428R, P446R.
Identifiers: ClinVar variation 460588 (VCV000460588.23), dbSNP rs199889477, ClinGen allele CA8416075.

ClinVar aggregate classification (germline): Conflicting classifications of pathogenicity. Review status: criteria provided, conflicting classifications (1 of 4 stars). 6 submissions from 6 submitters: Uncertain significance (3); Benign (1); Likely benign (2). Last evaluated 2026-07-06.

Conditions:
Birt-Hogg-Dube syndrome 1 (BHD1). Also called: FIBROFOLLICULOMAS WITH TRICHODISCOMAS AND ACROCHORDONS. Identifiers: Orphanet 122, MedGen CN375946, MONDO:0800445, OMIM 135150.
FLCN-related disorder. Also called: FLCN-related condition.
Ovarian cancer. Also called: OVARIAN CANCER, SOMATIC. Identifiers: Orphanet 213500, MedGen C1140680, MONDO:0008170, OMIM 167000.
Hereditary cancer-predisposing syndrome. Also called: Tumor predisposition; Hereditary neoplastic syndrome; Neoplastic Syndromes, Hereditary; Hereditary Cancer Syndrome. Identifiers: Orphanet 140162, MedGen C0027672, MeSH D009386, MONDO:0015356.
Birt-Hogg-Dube syndrome. Also called: Birt Hogg Dubé syndrome. Identifiers: Orphanet 122, MedGen C0346010, MONDO:0800444.

Allele frequency attached by ClinVar (database versions not stated): TOPMed 0.00002.

Submissions (6):

PreventionGenetics, part of Exact Sciences
Classification: Uncertain significance for FLCN-related condition. Last evaluated: 2026-07-06. Review status: criteria provided, single submitter. Criteria: ACMG Guidelines, 2015. Collection method: clinical testing. Allele origin: germline.
Comment: The FLCN c.1283C>G variant is predicted to result in the amino acid substitution p.Pro428Arg. To our knowledge, this variant has not been reported in the literature. This variant is reported in 0.014% of alleles in individuals of European (Non-Finnish) descent in gnomAD. This variant has conflicting interpretations of benign to uncertain significance in ClinVar (Variation ID: 460588). At this time, the clinical significance of this variant is uncertain due to the absence of conclusive functional and genetic evidence.

Labcorp Genetics (formerly Invitae), Labcorp
Classification: Uncertain significance for Birt-Hogg-Dube syndrome. Last evaluated: 2026-01-27. Review status: criteria provided, single submitter. Criteria: Invitae Variant Classification Sherloc (09022015). Collection method: clinical testing. Allele origin: germline.
Comment: This sequence change replaces proline, which is neutral and non-polar, with arginine, which is basic and polar, at codon 428 of the FLCN protein (p.Pro428Arg). This variant is present in population databases (rs199889477, gnomAD 0.01%), and has an allele count higher than expected for a pathogenic variant. This variant has not been reported in the literature in individuals affected with FLCN-related conditions. ClinVar contains an entry for this variant (Variation ID: 460588). Invitae Evidence Modeling of protein sequence and biophysical properties (such as structural, functional, and spatial information, amino acid conservation, physicochemical variation, residue mobility, and thermodynamic stability) indicates that this missense variant is not expected to disrupt FLCN protein function with a negative predictive value of 80%. In summary, the available evidence is currently insufficient to determine the role of this variant in disease. Therefore, it has been classified as a Variant of Uncertain Significance.

Myriad Genetics, Inc.
Classification: Likely benign for Birt-Hogg-Dube syndrome 1. Last evaluated: 2024-10-24. Review status: criteria provided, single submitter. Criteria: Myriad Autosomal Dominant, Autosomal Recessive and X-Linked Classification Criteria (2023). Collection method: clinical testing. Allele origin: unknown.
Comment: This variant is considered likely benign. This variant has been observed at a population frequency that is significantly greater than expected given the associated disease prevalence and penetrance.

GeneDx
Classification: Uncertain significance. Last evaluated: 2023-07-31. Review status: criteria provided, single submitter. Criteria: GeneDx Variant Classification Process June 2021. Collection method: clinical testing. Allele origin: germline. Affected: yes.
Comment: In silico analysis supports that this missense variant does not alter protein structure/function; Has not been previously published as pathogenic or benign to our knowledge; This variant is associated with the following publications: (PMID: 17028174)

Laboratory of Molecular Epidemiology of Birth Defects, West China Second University Hospital, Sichuan University
Classification: Benign for Ovarian cancer. Last evaluated: 2022-01-01. Review status: criteria provided, single submitter. Criteria: ACMG Guidelines, 2015. Collection method: clinical testing. Allele origin: germline. Affected: yes.

Ambry Genetics
Classification: Likely benign for Hereditary cancer-predisposing syndrome. Last evaluated: 2020-07-24. Review status: criteria provided, single submitter. Criteria: Ambry Variant Classification Scheme 2023. Collection method: clinical testing. Allele origin: germline.